The following is an entry in ClinVar:

NM_002528.7(NTHL1):c.610G>T (p.Val204Leu)

Gene: NTHL1 (nth like DNA glycosylase 1; minus strand). Cytogenetic location: 16p13.3.
Variant type: single nucleotide variant.
Coding change: c.610G>T on transcript NM_002528.7 (MANE Select); coding-DNA position 610, G replaced by T.
Protein change: p.Val204Leu; replaces valine 204 with leucine.
Molecular consequence: missense variant.
Genome position (GRCh38, 1-based): chr16:2,043,642, C>A on the plus strand (G>T on the coding strand, the complement: NTHL1 is on the minus strand). VCF-style: chr16-2043642-C-A. GRCh37 (hg19) VCF-style: chr16-2093643-C-A.
Other names: c.439G>T, p.Val147Leu (NM_001318193.2); c.280G>T, p.Val94Leu (NM_001318194.2); short protein forms V204L, V147L, V94L.
Identifiers: ClinVar variation 1753001 (VCV001753001.2), dbSNP rs2548315088, ClinGen allele CA394291516.

ClinVar aggregate classification (germline): Uncertain significance (1 of 4 stars; one submission).

Conditions:
Hereditary cancer-predisposing syndrome. Also called: Neoplastic Syndromes, Hereditary; Tumor predisposition; Hereditary Cancer Syndrome; Hereditary neoplastic syndrome. Identifiers: Orphanet 140162, MedGen C0027672, MeSH D009386, MONDO:0015356.

Allele frequency attached by ClinVar (database versions not stated): gnomAD exomes below 0.00001.

Submission:

Ambry Genetics
Classification: Uncertain significance for Hereditary cancer-predisposing syndrome. Last evaluated: 2022-09-26. Review status: criteria provided, single submitter. Criteria: Ambry Variant Classification Scheme 2023. Collection method: clinical testing. Allele origin: germline.
Comment: The p.V212L variant (also known as c.634G>T), located in coding exon 4 of the NTHL1 gene, results from a G to T substitution at nucleotide position 634. The valine at codon 212 is replaced by leucine, an amino acid with highly similar properties. This amino acid position is conserved. In addition, this alteration is predicted to be tolerated by in silico analysis. Since supporting evidence is limited at this time, the clinical significance of this alteration remains unclear.